The following is an entry in ClinVar:

ClinVar aggregate classification (germline): Uncertain significance (1 of 4 stars; one submission).

Conditions:
Dilated cardiomyopathy 1J (CMD1J). Also called: CARDIOMYOPATHY, DILATED, WITH SENSORINEURAL HEARING LOSS, AUTOSOMAL DOMINANT. Identifiers: Orphanet 217622, MedGen C1854368, MONDO:0011541, OMIM 605362.

Submission:

Labcorp Genetics (formerly Invitae), Labcorp
Classification: Uncertain significance for Dilated cardiomyopathy 1J. Last evaluated: 2024-10-29. Review status: criteria provided, single submitter. Criteria: Invitae Variant Classification Sherloc (09022015). Collection method: clinical testing. Allele origin: germline.
Comment: This sequence change replaces glycine, which is neutral and non-polar, with valine, which is neutral and non-polar, at codon 232 of the EYA4 protein (p.Gly232Val). This variant is not present in population databases (gnomAD no frequency). This variant has not been reported in the literature in individuals affected with EYA4-related conditions. ClinVar contains an entry for this variant (Variation ID: 2119353). Invitae Evidence Modeling of protein sequence and biophysical properties (such as structural, functional, and spatial information, amino acid conservation, physicochemical variation, residue mobility, and thermodynamic stability) indicates that this missense variant is not expected to disrupt EYA4 protein function with a negative predictive value of 80%. In summary, the available evidence is currently insufficient to determine the role of this variant in disease. Therefore, it has been classified as a Variant of Uncertain Significance.

NM_004100.5(EYA4):c.695G>T (p.Gly232Val)

Gene: EYA4 (EYA transcriptional coactivator and phosphatase 4; plus strand). Cytogenetic location: 6q23.2.
Variant type: single nucleotide variant.
Coding change: c.695G>T on transcript NM_004100.5 (MANE Select); coding-DNA position 695, G replaced by T.
Protein change: p.Gly232Val; replaces glycine 232 with valine.
Molecular consequence: missense variant.
Genome position (GRCh38, 1-based): chr6:133,462,735, G>T. VCF-style: chr6-133462735-G-T. GRCh37 (hg19) VCF-style: chr6-133783873-G-T.
Other names: c.533G>T, p.Gly178Val (NM_001301012.2, NM_001370459.1); c.695G>T, p.Gly232Val (NM_001301013.2, NM_172105.4); c.626G>T, p.Gly209Val (NM_001370458.1, NM_172103.4); short protein forms G178V, G232V, G209V.
Identifiers: ClinVar variation 2119353 (VCV002119353.4), dbSNP rs2534568885, ClinGen allele CA365699596.
Genomic context (GRCh38, chr6:133,462,735, plus strand): 5'-AGTCCCCATTACAGAGTGGCTGCCTCAGTTACAGCCCAGGGTTCTCTACCCCACAGCCAG[G>T]CCAGACACCTTATTCTTACCAAATGCCAGGTAAGTAGCTACACATGAAACATGTTTTGGG-3'
Protein context (NP_004091.3, residues 222-242): YSPGFSTPQP[Gly232Val]QTPYSYQMPG